The following is an entry in ClinVar:

NM_005228.5(EGFR):c.1881-863G>A

Gene: EGFR (epidermal growth factor receptor; plus strand). Cytogenetic location: 7p11.2.
Variant type: single nucleotide variant.
Coding change: c.1881-863G>A on transcript NM_005228.5 (MANE Select); 863 bases into the intron before coding-DNA position 1881, G replaced by A.
Molecular consequence: intron variant. On other transcripts: missense variant (1).
Genome position (GRCh38, 1-based): chr7:55,170,312, G>A. VCF-style: chr7-55170312-G-A. GRCh37 (hg19) VCF-style: chr7-55238005-G-A.
Other names: c.1886G>A, p.Gly629Glu (NM_201284.2); c.1746-863G>A (NM_001346899.2, NM_001346897.2); c.1080-863G>A (NM_001346941.2); c.1881-863G>A (NM_001346898.2); c.1722-863G>A (NM_001346900.2); short protein forms G629E.
Identifiers: ClinVar variation 5035753 (VCV005035753.1).

ClinVar aggregate classification (germline): Uncertain significance (1 of 4 stars; one submission).

Conditions:
Hereditary cancer-predisposing syndrome. Also called: Hereditary Cancer Syndrome; Neoplastic Syndromes, Hereditary; Tumor predisposition; Hereditary neoplastic syndrome. Identifiers: Orphanet 140162, MedGen C0027672, MeSH D009386, MONDO:0015356.

Submission:

Ambry Genetics
Classification: Uncertain significance for Hereditary cancer-predisposing syndrome. Last evaluated: 2026-07-07. Review status: criteria provided, single submitter. Criteria: Ambry Variant Classification Scheme 2023. Collection method: clinical testing. Allele origin: germline.
Comment: The p.G629E variant (also known as c.1886G>A), located in coding exon 16 of the EGFR gene, results from a G to A substitution at nucleotide position 1886. The glycine at codon 629 is replaced by glutamic acid, an amino acid with similar properties. This amino acid position is conserved. In addition, this alteration is predicted to be tolerated by in silico analysis. Based on the available evidence, the clinical significance of this variant remains unclear.